The following is an entry in ClinVar:

ClinVar aggregate classification (germline): Benign (1 of 4 stars; one submission).

Conditions:
Parietal foramina 2 (PFM2). Identifiers: Orphanet 60015, MedGen C1865044, MONDO:0012309, OMIM 609597.

Allele frequency attached by ClinVar (database versions not stated): gnomAD 0.00006 and 0.00033; TOPMed 0.00009; gnomAD exomes 0.00066; 1000 Genomes Project 0.00180; 1000 Genomes Project 30x 0.00203.
gnomAD v4.1: 69 of 181,070 alleles (0.038%); highest among the groups gnomAD compares: South Asian, 0.79%; no homozygotes.

Submission:

Illumina Laboratory Services, Illumina
Classification: Benign for Parietal foramina 2. Last evaluated: 2018-01-13. Review status: criteria provided, single submitter. Criteria: ICSL Variant Classification Criteria 13 December 2019. Collection method: clinical testing. Allele origin: germline.
Comment: This variant was observed in the ICSL laboratory as part of a predisposition screen in an ostensibly healthy population. It had not been previously curated by ICSL or reported in the Human Gene Mutation Database (HGMD: prior to June 1st, 2018), and was therefore a candidate for classification through an automated scoring system. Utilizing variant allele frequency, disease prevalence and penetrance estimates, and inheritance mode, an automated score was calculated to assess if this variant is too frequent to cause the disease. Based on the score and internal cut-off values, a variant classified as benign is not then subjected to further curation. The score for this variant resulted in a classification of benign for this disease.

NM_021926.4(ALX4):c.*437C>T

Gene: ALX4 (ALX homeobox 4; minus strand). Cytogenetic location: 11p11.2.
Variant type: single nucleotide variant.
Coding change: c.*437C>T on transcript NM_021926.4 (MANE Select); 437 bases downstream of the stop codon, C replaced by T.
Molecular consequence: 3 prime UTR variant.
Genome position (GRCh38, 1-based): chr11:44,264,417, G>A on the plus strand (C>T on the coding strand, the complement: ALX4 is on the minus strand). VCF-style: chr11-44264417-G-A. GRCh37 (hg19) VCF-style: chr11-44285967-G-A.
Identifiers: ClinVar variation 878443 (VCV000878443.4), dbSNP rs542591808, ClinGen allele CA221486718.